The following is an entry in ClinVar:

ClinVar aggregate classification (germline): Benign/Likely benign. Review status: criteria provided, multiple submitters, no conflicts (2 of 4 stars). 2 submissions from 2 submitters: Benign (1); Likely benign (1). Last evaluated 2026-08-17.

Conditions:
DICER1-related tumor predisposition. Also called: DICER1-related pleuropulmonary blastoma cancer predisposition syndrome; DICER1 syndrome. Identifiers: Orphanet 284343, MedGen C3839822, MONDO:0100216.

Submissions (2):

Myriad Genetics, Inc.
Classification: Benign for DICER1-related tumor predisposition. Last evaluated: 2026-08-17. Review status: criteria provided, single submitter. Criteria: Myriad Autosomal Dominant, Autosomal Recessive and X-Linked Classification Criteria (2023). Collection method: clinical testing. Allele origin: unknown.
Comment: This variant is considered benign. This variant is a silent/synonymous amino acid change and it is not expected to impact splicing.

Labcorp Genetics (formerly Invitae), Labcorp
Classification: Likely benign for DICER1-related tumor predisposition. Last evaluated: 2023-04-08. Review status: criteria provided, single submitter. Criteria: Invitae Variant Classification Sherloc (09022015). Collection method: clinical testing. Allele origin: germline.

NM_177438.3(DICER1):c.456C>T (p.Cys152=)

Gene: DICER1 (dicer 1, ribonuclease III; minus strand). Cytogenetic location: 14q32.13.
Variant type: single nucleotide variant.
Coding change: c.456C>T on transcript NM_177438.3 (MANE Select); coding-DNA position 456, C replaced by T.
Protein change: p.Cys152=; no amino-acid change (cysteine 152 retained).
Molecular consequence: synonymous variant. On other transcripts: 5 prime UTR variant (1), non-coding transcript variant (6), intron variant (1).
Genome position (GRCh38, 1-based): chr14:95,130,175, G>A on the plus strand (C>T on the coding strand, the complement: DICER1 is on the minus strand). VCF-style: chr14-95130175-G-A. GRCh37 (hg19) VCF-style: chr14-95596512-G-A.
Other names: c.456C>T, p.Cys152= (NM_001195573.1, NM_001271282.3, NM_001291628.2 and 15 more transcripts); c.174C>T, p.Cys58= (NM_001395686.1); c.51C>T, p.Cys17= (NM_001395687.1, NM_001395688.1, NM_001395689.1 and 3 more transcripts); c.-1113C>T (NM_001395697.1); c.-20-92C>T (NM_001395691.1).
Identifiers: ClinVar variation 2853587 (VCV002853587.4), dbSNP rs778605847, ClinGen allele CA487633958.
Genomic context (GRCh38, chr14:95,130,175, plus strand): 5'-CAAAAGGTTAATGTCTGACAGTGATAAGTAACCATTTTTCAAAACATTCAAGGCGACATA[G>A]CAAGTCATAATGAGAACCTAAAATAAAATCAACATCAGTAAACAAACATAGCATTCACTG-3'
Protein context (NP_803187.1, residues 142-162): FTKHQVLIMT[Cys152=]YVALNVLKNG